The following is an entry in ClinVar:

NM_000166.6(GJB1):c.340C>A (p.Pro114Thr)

Gene: GJB1 (gap junction protein beta 1; plus strand). Cytogenetic location: Xq13.1.
Variant type: single nucleotide variant.
Coding change: c.340C>A on transcript NM_000166.6 (MANE Select); coding-DNA position 340, C replaced by A.
Protein change: p.Pro114Thr; replaces proline 114 with threonine.
Molecular consequence: missense variant.
Genome position (GRCh38, 1-based): chrX:71,224,047, C>A. VCF-style: chrX-71224047-C-A. GRCh37 (hg19) VCF-style: chrX-70443897-C-A.
Other names: c.340C>A, p.Pro114Thr (NM_001097642.3); short protein forms P114T.
Identifiers: ClinVar variation 843172 (VCV000843172.10), dbSNP rs748187922, ClinGen allele CA10445294.
Genomic context (GRCh38, chrX:71,224,047, plus strand): 5'-CACGTGGCTCACCAGCAACACATAGAGAAGAAAATGCTACGGCTTGAGGGCCATGGGGAC[C>A]CCCTACACCTGGAGGAGGTGAAGAGGCACAAGGTCCACATCTCAGGGACACTGTGGTGGA-3'
Protein context (NP_000157.1, residues 104-124): KMLRLEGHGD[Pro114Thr]LHLEEVKRHK

ClinVar aggregate classification (germline): Uncertain significance. Review status: criteria provided, multiple submitters, no conflicts (2 of 4 stars). 2 submissions from 2 submitters: Uncertain significance (2). Last evaluated 2026-01-21.

Conditions:
GJB1-related disorder. Also called: GJB1-related disorders; GJB1-related condition.
Charcot-Marie-Tooth Neuropathy X. Identifiers: MedGen CN118851.

Allele frequency attached by ClinVar (database versions not stated): TOPMed 0.00001.

Submissions (2):

Labcorp Genetics (formerly Invitae), Labcorp
Classification: Uncertain significance for Charcot-Marie-Tooth Neuropathy X. Last evaluated: 2026-01-21. Review status: criteria provided, single submitter. Criteria: Invitae Variant Classification Sherloc (09022015). Collection method: clinical testing. Allele origin: germline.
Comment: This sequence change replaces proline, which is neutral and non-polar, with threonine, which is neutral and polar, at codon 114 of the GJB1 protein (p.Pro114Thr). The frequency data for this variant in the population databases is considered unreliable, as metrics indicate poor data quality at this position in the gnomAD database. This missense change has been observed in individual(s) with clinical features of Charcot-Marie-Tooth disease (PMID: 32376792). ClinVar contains an entry for this variant (Variation ID: 843172). Invitae Evidence Modeling of protein sequence and biophysical properties (such as structural, functional, and spatial information, amino acid conservation, physicochemical variation, residue mobility, and thermodynamic stability) has been performed for this missense variant. However, the output from this modeling did not meet the statistical confidence thresholds required to predict the impact of this variant on GJB1 protein function. In summary, the available evidence is currently insufficient to determine the role of this variant in disease. Therefore, it has been classified as a Variant of Uncertain Significance.

PreventionGenetics, part of Exact Sciences
Classification: Uncertain significance for GJB1-related condition. Last evaluated: 2025-12-31. Review status: criteria provided, single submitter. Criteria: ACMG Guidelines, 2015. Collection method: clinical testing. Allele origin: germline.
Comment: The GJB1 c.340C>A variant is predicted to result in the amino acid substitution p.Pro114Thr. This variant was reported in the hemizygous state in an individual with Charcot-Marie-Tooth disease (Table S2, Volodarsky et al. 2021. PubMed ID: 32376792). This variant is reported in 0.0026% of alleles in individuals of European (Non-Finnish) descent in gnomAD, including seven hemizygotes in the larger gnomAD v4.1.0 database. At this time, the clinical significance of this variant is uncertain due to the absence of conclusive functional and genetic evidence.

Literature cited by the submitters: PubMed 32376792 (cited by Labcorp Genetics (formerly Invitae), Labcorp).